The following is an entry in ClinVar:

ClinVar aggregate classification (germline): Uncertain significance (1 of 4 stars; one submission).

Conditions:
Inborn genetic diseases. Identifiers: MedGen C0950123, MeSH D030342.

Submission:

Ambry Genetics
Classification: Uncertain significance for Inborn genetic diseases. Last evaluated: 2025-04-16. Review status: criteria provided, single submitter. Criteria: Ambry Variant Classification Scheme 2023. Collection method: clinical testing. Allele origin: germline.
Comment: The p.E1115A variant (also known as c.3344A>C), located in coding exon 15 of the MECOM gene, results from an A to C substitution at nucleotide position 3344. The glutamic acid at codon 1115 is replaced by alanine, an amino acid with dissimilar properties. This amino acid position is conserved. In addition, this alteration is predicted to be tolerated by in silico analysis. Based on the available evidence, the clinical significance of this variant remains unclear.

NM_004991.4(MECOM):c.3344A>C (p.Glu1115Ala)

Gene: MECOM (MDS1 and EVI1 complex locus; minus strand). Cytogenetic location: 3q26.2.
Variant type: single nucleotide variant.
Coding change: c.3344A>C on transcript NM_004991.4 (MANE Select); coding-DNA position 3344, A replaced by C.
Protein change: p.Glu1115Ala; replaces glutamic acid 1115 with alanine.
Molecular consequence: missense variant.
Genome position (GRCh38, 1-based): chr3:169,090,057, T>G on the plus strand (A>C on the coding strand, the complement: MECOM is on the minus strand). VCF-style: chr3-169090057-T-G. GRCh37 (hg19) VCF-style: chr3-168807845-T-G.
Other names: c.2975A>C, p.Glu992Ala (NM_001105077.4); c.2780A>C, p.Glu927Ala (NM_001105078.4, NM_001205194.2, NM_001366469.2 and 1 more transcripts); c.2756A>C, p.Glu919Ala (NM_001163999.2, NM_001366470.2); c.2753A>C, p.Glu918Ala (NM_001164000.2, NM_001366471.2, NM_001366472.2); c.3317A>C, p.Glu1106Ala (NM_001366466.2); c.2783A>C, p.Glu928Ala (NM_001366467.2, NM_001366468.2); c.2345A>C, p.Glu782Ala (NM_001366473.2); c.1781A>C, p.Glu594Ala (NM_001366474.2); short protein forms E594A, E782A, E1106A, E1115A, E927A, E919A, E928A, E992A.
Identifiers: ClinVar variation 4053189 (VCV004053189.1).
Genomic context (GRCh38, chr3:169,090,057, plus strand): 5'-CACCTCACTGGGGATGTCTTGCAACTCATCTCCAGGGCACTGGTTTCTTCATAGTCATCC[T>G]CAGGGTTTCCTTCATGTAAATTACTTGTCACTGGTTCCTTTCCTGTTTTTCCAGTAATAT-3'
Protein context (NP_004982.2, residues 1105-1125): VTSNLHEGNP[Glu1115Ala]DDYEETSALE